The following is an entry in ClinVar:

ClinVar aggregate classification (germline): Likely benign (1 of 4 stars; one submission).

Conditions:
BFSP2-related disorder. Also called: BFSP2-related condition.

Submission:

PreventionGenetics, part of Exact Sciences
Classification: Likely benign for BFSP2-related condition. Last evaluated: 2026-02-26. Review status: criteria provided, single submitter. Criteria: ACMG Guidelines, 2015. Collection method: clinical testing. Allele origin: germline.
Comment: This variant is classified as likely benign based on ACMG/AMP sequence variant interpretation guidelines (Richards et al. 2015 PMID: 25741868, with internal and published modifications).

NM_003571.4(BFSP2):c.546G>A (p.Gln182=)

Genes: BFSP2 (beaded filament structural protein 2; plus strand), BFSP2-AS1 (BFSP2 antisense RNA 1; minus strand). Cytogenetic location: 3q22.1.
Variant type: single nucleotide variant.
Coding change: c.546G>A on transcript NM_003571.4 (MANE Select); coding-DNA position 546, G replaced by A.
Protein change: p.Gln182=; no amino-acid change (glutamine 182 retained).
Molecular consequence: synonymous variant.
Genome position (GRCh38, 1-based): chr3:133,447,373, G>A. VCF-style: chr3-133447373-G-A. GRCh37 (hg19) VCF-style: chr3-133166217-G-A.
Identifiers: ClinVar variation 4984899 (VCV004984899.1).